The following is an entry in ClinVar:

NM_001160148.2(DDHD1):c.1239T>C (p.His413=)

Gene: DDHD1 (DDHD domain containing 1; minus strand). Cytogenetic location: 14q22.1.
Variant type: single nucleotide variant.
Coding change: c.1239T>C on transcript NM_001160148.2 (MANE Select); coding-DNA position 1239, T replaced by C.
Protein change: p.His413=; no amino-acid change (histidine 413 retained).
Molecular consequence: synonymous variant.
Genome position (GRCh38, 1-based): chr14:53,091,835, A>G on the plus strand (T>C on the coding strand, the complement: DDHD1 is on the minus strand). VCF-style: chr14-53091835-A-G. GRCh37 (hg19) VCF-style: chr14-53558553-A-G.
Other names: c.1260T>C, p.His420= (NM_001160147.2); c.1239T>C, p.His413= (NM_030637.3).
Identifiers: ClinVar variation 2644244 (VCV002644244.26), dbSNP rs1038984158, ClinGen allele CA260990944.
Genomic context (GRCh38, chr14:53,091,835, plus strand): 5'-AAGAACTTACATAGCTGTATTTTTGATAATTCTTCCTTGGTCCATTTTCTGCCCAATGCC[A>G]TGCACAACAAATACAATATGGGTAGTCTGTGATGGCTTGTCTTCTAATGTGGCTTCTTCT-3'
Protein context (NP_001153620.1, residues 403-423): SQTTHIVFVV[His413=]GIGQKMDQGR

ClinVar aggregate classification (germline): Likely benign. Review status: criteria provided, multiple submitters, no conflicts (2 of 4 stars). 2 submissions from 2 submitters: Likely benign (2). Last evaluated 2024-10-10.

Conditions:
Hereditary spastic paraplegia 28. Also called: Spastic paraplegia 28, autosomal recessive. Identifiers: Orphanet 101008, MedGen C1836295, MONDO:0012256, OMIM 609340.

Allele frequency attached by ClinVar (database versions not stated): gnomAD exomes below 0.00001; gnomAD 0.00001; TOPMed 0.00001.
gnomAD v4.1: 3 of 1,613,744 alleles (0.00019%); highest among the groups gnomAD compares: Admixed American, 0.005%; no homozygotes.

Submissions (2):

Labcorp Genetics (formerly Invitae), Labcorp
Classification: Likely benign for Hereditary spastic paraplegia 28. Last evaluated: 2024-10-10. Review status: criteria provided, single submitter. Criteria: Invitae Variant Classification Sherloc (09022015). Collection method: clinical testing. Allele origin: germline.

CeGaT Center for Human Genetics Tuebingen
Classification: Likely benign. Last evaluated: 2023-01-01. Review status: criteria provided, single submitter. Criteria: CeGaT Center For Human Genetics Tuebingen Variant Classification Criteria Version 2. Collection method: clinical testing. Allele origin: germline. Affected: yes. Observed: 1 variant allele.
Comment: DDHD1: BP4, BP7